The following is an entry in ClinVar:

ClinVar aggregate classification (germline): Uncertain significance (1 of 4 stars; one submission).

gnomAD v4.1: 2 of 1,613,978 alleles (0.00012%); highest among the groups gnomAD compares: African/African-American, 0.0027%; no homozygotes.

Submission:

Labcorp Genetics (formerly Invitae), Labcorp
Classification: Uncertain significance. Last evaluated: 2023-10-03. Review status: criteria provided, single submitter. Criteria: Invitae Variant Classification Sherloc (09022015). Collection method: clinical testing. Allele origin: germline.
Comment: This sequence change replaces serine, which is neutral and polar, with arginine, which is basic and polar, at codon 759 of the COL4A1 protein (p.Ser759Arg). This variant is present in population databases (no rsID available, gnomAD 0.007%). This variant has not been reported in the literature in individuals affected with COL4A1-related conditions. ClinVar contains an entry for this variant (Variation ID: 1720679). An algorithm developed to predict the effect of missense changes on protein structure and function (PolyPhen-2) suggests that this variant is likely to be disruptive. In summary, the available evidence is currently insufficient to determine the role of this variant in disease. Therefore, it has been classified as a Variant of Uncertain Significance.

NM_001845.6(COL4A1):c.2277C>G (p.Ser759Arg)

Gene: COL4A1 (collagen type IV alpha 1 chain; minus strand). Cytogenetic location: 13q34.
Variant type: single nucleotide variant.
Coding change: c.2277C>G on transcript NM_001845.6 (MANE Select); coding-DNA position 2277, C replaced by G.
Protein change: p.Ser759Arg; replaces serine 759 with arginine.
Molecular consequence: missense variant.
Genome position (GRCh38, 1-based): chr13:110,179,338, G>C on the plus strand (C>G on the coding strand, the complement: COL4A1 is on the minus strand). VCF-style: chr13-110179338-G-C. GRCh37 (hg19) VCF-style: chr13-110831685-G-C.
Other names: short protein forms S759R.
Identifiers: ClinVar variation 1720679 (VCV001720679.5), dbSNP rs764059421, ClinGen allele CA388668654.
Genomic context (GRCh38, chr13:110,179,338, plus strand): 5'-CCCCTGAAGCCCAGGGGGTCCGATCGCTCCATGTTCTCCAGGAACGCCTGGTACCCCAAT[G>C]CTCCCCTTCTCCCCGGGTGTGCCAGGAATGCCGGGAAGACCTGGCAAACCTTTGAGTCCC-3'
Protein context (NP_001836.3, residues 749-769): GIPGTPGEKG[Ser759Arg]IGVPGVPGEH